The following is an entry in ClinVar:

ClinVar aggregate classification (germline): Uncertain significance (1 of 4 stars; one submission).

Allele frequency attached by ClinVar (database versions not stated): 1000 Genomes Project 30x 0.00016; 1000 Genomes Project 0.00020; gnomAD 0.00072; TOPMed 0.00077; ExAC 0.00088; ESP Exome Variant Server 0.00123.
gnomAD v4.1: 2,311 of 1,610,054 alleles (0.14%); highest among the groups gnomAD compares: Non-Finnish European, 0.18%; 3 homozygotes.

Submission:

Greenwood Genetic Center Diagnostic Laboratories, Greenwood Genetic Center
Classification: Uncertain significance. Last evaluated: 2022-06-14. Review status: criteria provided, single submitter. Criteria: ACMG Guidelines, 2015. Collection method: clinical testing. Allele origin: germline. Affected: yes.
Comment: PM3, BP4

NM_001308120.2(TOGARAM1):c.3214A>T (p.Ile1072Phe)

Gene: TOGARAM1 (TOG array regulator of axonemal microtubules 1; plus strand). Cytogenetic location: 14q21.2.
Variant type: single nucleotide variant.
Coding change: c.3214A>T on transcript NM_001308120.2 (MANE Select); coding-DNA position 3214, A replaced by T.
Protein change: p.Ile1072Phe; replaces isoleucine 1072 with phenylalanine.
Molecular consequence: missense variant. On other transcripts: non-coding transcript variant (1).
Genome position (GRCh38, 1-based): chr14:45,012,051, A>T. VCF-style: chr14-45012051-A-T. GRCh37 (hg19) VCF-style: chr14-45481254-A-T.
Other names: c.3214A>T, p.Ile1072Phe (NM_015091.4); short protein forms I1072F.
Identifiers: ClinVar variation 1703106 (VCV001703106.3), dbSNP rs145006760, ClinGen allele CA7167463.
Genomic context (GRCh38, chr14:45,012,051, plus strand): 5'-ACATTTGGGTCAAAACCTTGTCCAACAAGACTTTCTTCTGCAAAGAAAAAAATTTCTCAT[A>T]TTGCTGAACAAAGCCCCAGTGCAGGTATTCTATGTCTGTTTATAAAAATAATTTATAAAA-3'
Protein context (NP_001295049.1, residues 1062-1082): LSSAKKKISH[Ile1072Phe]AEQSPSAGSS